The following is an entry in ClinVar:

ClinVar aggregate classification (germline): Uncertain significance. Review status: criteria provided, single submitter (1 of 4 stars). 2 submissions from 2 submitters: Uncertain significance (1). 1 of the submissions does not count toward it. Last evaluated 2021-09-01.

Conditions:
Cardiomyopathy (CMYO). Also called: Cardiomyopathies. Identifiers: Orphanet 167848, MedGen C0878544, MONDO:0004994, HP:0001638. Inheritance: Various modes of inheritance.
Dystrophin deficiency.
Duchenne muscular dystrophy (DMD). Also called: MUSCULAR DYSTROPHY, PSEUDOHYPERTROPHIC PROGRESSIVE, DUCHENNE TYPE; Duchenne Muscular Dystrophy (DMD). Identifiers: Orphanet 98896, MedGen C0013264, MONDO:0010679, OMIM 310200.
Becker muscular dystrophy (BMD). Also called: Becker Muscular Dystrophy (BMD); MUSCULAR DYSTROPHY, PSEUDOHYPERTROPHIC PROGRESSIVE, BECKER TYPE. Identifiers: Orphanet 98895, MedGen C0917713, MONDO:0010311, OMIM 300376.

Allele frequency attached by ClinVar (database versions not stated): gnomAD exomes below 0.00001 and 0.00001; ExAC 0.00001; TOPMed 0.00001; gnomAD 0.00002; 1000 Genomes Project 30x 0.00021; 1000 Genomes Project 0.00026.
gnomAD v4.1: 4 of 1,208,761 alleles (0.00033%); highest among the groups gnomAD compares: African/African-American, 0.0053%; no homozygotes.

Submissions (2):

Labcorp Genetics (formerly Invitae), Labcorp
Classification: Uncertain significance for Duchenne muscular dystrophy. Last evaluated: 2021-09-01. Review status: criteria provided, single submitter. Criteria: Invitae Variant Classification Sherloc (09022015). Collection method: clinical testing. Allele origin: germline.
Comment: This sequence change replaces glutamic acid with aspartic acid at codon 1669 of the DMD protein (p.Glu1669Asp). The glutamic acid residue is highly conserved and there is a small physicochemical difference between glutamic acid and aspartic acid. This variant is present in population databases (rs774454385, ExAC 0.01%). This variant has not been reported in the literature in individuals affected with DMD-related conditions. Algorithms developed to predict the effect of missense changes on protein structure and function are either unavailable or do not agree on the potential impact of this missense change (SIFT: "Deleterious"; PolyPhen-2: "Benign"; Align-GVGD: "Class C35"). In summary, the available evidence is currently insufficient to determine the role of this variant in disease. Therefore, it has been classified as a Variant of Uncertain Significance.

Natera, Inc.
Classification: Uncertain significance for Becker muscular dystrophy; Cardiomyopathy; Duchenne muscular dystrophy; Dystrophin deficiency. Last evaluated: 2020-06-24. Review status: no assertion criteria provided. Collection method: clinical testing. Allele origin: germline. Not counted in ClinVar's aggregate classification.

NM_004006.3(DMD):c.5007G>C (p.Glu1669Asp)

Gene: DMD (dystrophin; minus strand). Cytogenetic location: Xp21.1.
Variant type: single nucleotide variant.
Coding change: c.5007G>C on transcript NM_004006.3 (MANE Select); coding-DNA position 5007, G replaced by C.
Protein change: p.Glu1669Asp; replaces glutamic acid 1669 with aspartic acid.
Molecular consequence: missense variant.
Genome position (GRCh38, 1-based): chrX:32,365,038, C>G on the plus strand (G>C on the coding strand, the complement: DMD is on the minus strand). VCF-style: chrX-32365038-C-G. GRCh37 (hg19) VCF-style: chrX-32383155-C-G.
Other names: c.4983G>C, p.Glu1661Asp (NM_000109.4); c.4995G>C, p.Glu1665Asp (NM_004009.3); c.4638G>C, p.Glu1546Asp (NM_004010.3); c.984G>C, p.Glu328Asp (NM_004011.4); c.975G>C, p.Glu325Asp (NM_004012.4); short protein forms E1546D, E1661D, E1665D, E1669D, E325D, E328D.
Identifiers: ClinVar variation 1061899 (VCV001061899.7), dbSNP rs774454385, ClinGen allele CA10378809.